The following is an entry in ClinVar:

NC_012920.1(MT-CO3):m.9424C>T

Gene: MT-CO3 (mitochondrially encoded cytochrome c oxidase III; plus strand).
Variant type: single nucleotide variant.
Genome position: chrM-9424-C-T.
Identifiers: ClinVar variation 5002911 (VCV005002911.1).

ClinVar aggregate classification (germline): Uncertain significance (1 of 4 stars; one submission).

Submission:

OLLIN Analises Genomicas, OLLIN
Classification: Uncertain significance. Last evaluated: 2026-08-06. Review status: criteria provided, single submitter. Criteria: ACMG Guidelines 2015 PMID 25741868. Collection method: clinical testing. Allele origin: germline.
Comment: This missense variant, located in exon 1 (of 1), has been observed in gnomAD with an allele frequency of 0.000062%, but has not been reported in ClinVar or identified in the literature. In silico analysis is inconclusive regarding the impact of this variant. According to the currently available evidence, this variant has been classified as uncertain significance (PM2_P).